The following is an entry in ClinVar:

NM_017934.7(PHIP):c.4574C>T (p.Ser1525Leu)

Genes: IRAK1BP1 (interleukin 1 receptor associated kinase 1 binding protein 1; plus strand), PHIP (PHIP subunit of CUL4-Ring ligase complex; minus strand). Cytogenetic location: 6q14.1.
Variant type: single nucleotide variant.
Coding change: c.4574C>T on transcript NM_017934.7 (MANE Select); coding-DNA position 4574, C replaced by T.
Protein change: p.Ser1525Leu; replaces serine 1525 with leucine.
Molecular consequence: missense variant.
Genome position (GRCh38, 1-based): chr6:78,946,057, G>A on the plus strand (C>T on the coding strand, the complement: PHIP is on the minus strand). VCF-style: chr6-78946057-G-A. GRCh37 (hg19) VCF-style: chr6-79655774-G-A.
Other names: short protein forms S1525L.
Identifiers: ClinVar variation 4983352 (VCV004983352.1).

ClinVar aggregate classification (germline): Uncertain significance (1 of 4 stars; one submission).

Conditions:
PHIP-related disorder. Also called: PHIP-related condition; PHIP-related disorders.

gnomAD v4.1: 2 of 1,612,326 alleles (0.00012%); highest among the groups gnomAD compares: South Asian, 0.0011%; no homozygotes.

Submission:

PreventionGenetics, part of Exact Sciences
Classification: Uncertain significance for PHIP-related condition. Last evaluated: 2025-09-30. Review status: criteria provided, single submitter. Criteria: ACMG Guidelines, 2015. Collection method: clinical testing. Allele origin: germline.
Comment: The PHIP c.4574C>T variant is predicted to result in the amino acid substitution p.Ser1525Leu. To our knowledge, this variant has not been reported in the literature or in a large population database (gnomAD), indicating this variant is rare. At this time, the clinical significance of this variant is uncertain due to the absence of conclusive functional and genetic evidence.